The following is an entry in ClinVar:

ClinVar aggregate classification (germline): Uncertain significance (1 of 4 stars; one submission).

Submission:

Labcorp Genetics (formerly Invitae), Labcorp
Classification: Uncertain significance. Last evaluated: 2024-01-10. Review status: criteria provided, single submitter. Criteria: Invitae Variant Classification Sherloc (09022015). Collection method: clinical testing. Allele origin: germline.
Comment: This sequence change replaces alanine, which is neutral and non-polar, with proline, which is neutral and non-polar, at codon 91 of the KANK2 protein (p.Ala91Pro). This variant is not present in population databases (gnomAD no frequency). This variant has not been reported in the literature in individuals affected with KANK2-related conditions. An algorithm developed to predict the effect of missense changes on protein structure and function (PolyPhen-2) suggests that this variant is likely to be disruptive. In summary, the available evidence is currently insufficient to determine the role of this variant in disease. Therefore, it has been classified as a Variant of Uncertain Significance.

NM_001136191.3(KANK2):c.271G>C (p.Ala91Pro)

Gene: KANK2 (KN motif and ankyrin repeat domains 2; minus strand). Cytogenetic location: 19p13.2.
Variant type: single nucleotide variant.
Coding change: c.271G>C on transcript NM_001136191.3 (MANE Select); coding-DNA position 271, G replaced by C.
Protein change: p.Ala91Pro; replaces alanine 91 with proline.
Molecular consequence: missense variant.
Genome position (GRCh38, 1-based): chr19:11,193,809, C>G on the plus strand (G>C on the coding strand, the complement: KANK2 is on the minus strand). VCF-style: chr19-11193809-C-G. GRCh37 (hg19) VCF-style: chr19-11304485-C-G.
Other names: c.271G>C, p.Ala91Pro (NM_001329451.2, NM_001379548.1, NM_001379549.1 and 15 more transcripts); short protein forms A91P.
Identifiers: ClinVar variation 2760357 (VCV002760357.3), dbSNP rs1039934970, ClinGen allele CA305358729.